The following is an entry in ClinVar:

ClinVar aggregate classification (germline): Likely pathogenic (1 of 4 stars; one submission).

Conditions:
Alstrom syndrome (ALMS). Identifiers: Orphanet 64, MedGen C0268425, MONDO:0008763, OMIM 203800.

Submission:

Neuberg Centre For Genomic Medicine, NCGM
Classification: Likely pathogenic for Alstrom syndrome. Last evaluated: 2023-03-01. Review status: criteria provided, single submitter. Criteria: ACMG Guidelines, 2015. Collection method: clinical testing. Allele origin: germline. Inheritance: Autosomal recessive inheritance. Affected: yes.
Comment: The frame shift c.10436_10439del(p.Ala3479GlyfsTer27) variant in ALMS1 gene has not been reported previously as a pathogenic variant nor as a benign variant, to our knowledge. The p.Ala3479GlyfsTer27 variant is novel (not in any individuals) in gnomAD Exomes and 1000 Genomes. This variant has not been reported to the ClinVar database. This variant causes a frameshift starting with codon Alanine 3479, changes this amino acid to Glycine residue, and creates a premature stop codon at position 27 of the new reading frame, denoted p.Ala3479GlyfsTer27. This variant is predicted to cause loss of normal protein function through protein truncation. Loss of function variants have been previously reported to be disease causing. For these reasons, this variant has been classified as Likely Pathogenic

NM_001378454.1(ALMS1):c.10436_10439del (p.Arg3478_Ser3479insTer)

Gene: ALMS1 (ALMS1 centrosome and basal body associated protein; plus strand). Cytogenetic location: 2p13.1.
Variant type: Deletion.
Coding change: c.10436_10439del on transcript NM_001378454.1 (MANE Select); coding-DNA positions 10436 to 10439, 4 bases deleted (CAGC; older notation c.10436_10439delCAGC).
Protein change: p.Arg3478_Ser3479insTer.
Molecular consequence: nonsense.
Genome position (GRCh38, 1-based): chr2:73,572,313-73,572,316, CAGC deleted. VCF-style (leftmost placement, unchanged base first): chr2-73572312-TCAGC-T. GRCh37 (hg19) VCF-style: chr2-73799439-TCAGC-T.
Other names: c.10439_10442del, p.Arg3479_Ser3480insTer (NM_015120.4).
Identifiers: ClinVar variation 2664890 (VCV002664890.1), dbSNP rs2466443044, ClinGen allele CA2695200830.